The following is an entry in ClinVar:

ClinVar aggregate classification (germline): Uncertain significance. Review status: criteria provided, multiple submitters, no conflicts (2 of 4 stars). 2 submissions from 2 submitters: Uncertain significance (2). Last evaluated 2024-11-12.

Conditions:
LTBP4-related disorder. Also called: LTBP4-related condition.

Allele frequency attached by ClinVar (database versions not stated): gnomAD exomes below 0.00001; gnomAD 0.00001; TOPMed 0.00001; ExAC 0.00002.
gnomAD v4.1: 9 of 1,611,340 alleles (0.00056%); highest among the groups gnomAD compares: African/African-American, 0.004%; no homozygotes.

Submissions (2):

PreventionGenetics, part of Exact Sciences
Classification: Uncertain significance for LTBP4-related condition. Last evaluated: 2024-11-12. Review status: criteria provided, single submitter. Criteria: ACMG Guidelines, 2015. Collection method: clinical testing. Allele origin: germline.
Comment: The LTBP4 c.1690G>A variant is predicted to result in the amino acid substitution p.Gly564Arg. To our knowledge, this variant has not been reported in the literature. This variant is reported in 0.0068% of alleles in individuals of African descent in gnomAD. At this time, the clinical significance of this variant is uncertain due to the absence of conclusive functional and genetic evidence.

Labcorp Genetics (formerly Invitae), Labcorp
Classification: Uncertain significance. Last evaluated: 2023-07-16. Review status: criteria provided, single submitter. Criteria: Invitae Variant Classification Sherloc (09022015). Collection method: clinical testing. Allele origin: germline.
Comment: Experimental studies and prediction algorithms are not available or were not evaluated, and the functional significance of this variant is currently unknown. In summary, the available evidence is currently insufficient to determine the role of this variant in disease. Therefore, it has been classified as a Variant of Uncertain Significance. Algorithms developed to predict the effect of sequence changes on RNA splicing suggest that this variant may create or strengthen a splice site. This variant has not been reported in the literature in individuals affected with LTBP4-related conditions. This variant is present in population databases (rs776105771, gnomAD 0.007%). This sequence change replaces glycine, which is neutral and non-polar, with arginine, which is basic and polar, at codon 564 of the LTBP4 protein (p.Gly564Arg).

NM_001042545.2(LTBP4):c.1600G>A (p.Gly534Arg)

Gene: LTBP4 (latent transforming growth factor beta binding protein 4; plus strand). Cytogenetic location: 19q13.2.
Variant type: single nucleotide variant.
Coding change: c.1600G>A on transcript NM_001042545.2 (MANE Select); coding-DNA position 1600, G replaced by A.
Protein change: p.Gly534Arg; replaces glycine 534 with arginine.
Molecular consequence: missense variant.
Genome position (GRCh38, 1-based): chr19:40,609,787, G>A. VCF-style: chr19-40609787-G-A. GRCh37 (hg19) VCF-style: chr19-41115693-G-A.
Other names: c.1801G>A, p.Gly601Arg (NM_001042544.1); c.1690G>A, p.Gly564Arg (NM_003573.2); short protein forms G534R, G601R, G564R.
Identifiers: ClinVar variation 2979043 (VCV002979043.4), dbSNP rs776105771, ClinGen allele CA9448372.